The following is an entry in ClinVar:

NM_003895.4(SYNJ1):c.12_13dup (p.Trp5fs)

Gene: SYNJ1 (synaptojanin 1; minus strand). Cytogenetic location: 21q22.11.
Variant type: Duplication.
Coding change: c.12_13dup on transcript NM_003895.4; coding-DNA positions 12 to 13, 2 bases duplicated (AT; older notation c.12_13dupAT).
Protein change: p.Trp5fs; shifts the reading frame from tryptophan 5.
Molecular consequence: frameshift variant.
Genome position (GRCh38, 1-based): chr21:32,728,028-32,728,029, AT duplicated on the plus strand (AT on the coding strand, the reverse complement: SYNJ1 is on the minus strand). VCF-style (leftmost placement, unchanged base first): chr21-32728027-C-CAT. GRCh37 (hg19) VCF-style: chr21-34100338-C-CAT.
Other names: short protein forms W5fs.
Identifiers: ClinVar variation 1069960 (VCV001069960.9), dbSNP rs1227986180, ClinGen allele CA638052510.
Genomic context (GRCh38, chr21:32,728,027, plus strand): 5'-CTCCTTCTCCCGCAGCCGCCGCCACAGCCGCCGGGAGCGTCACTTCCGCTCCAGCAGGCC[C>CAT]ATCTCTTCCGCATTGCGCCGCGGCCGGGGGCGGAAGATCCGCCCCGCGCGAGGGAAGGGG-3'

ClinVar aggregate classification (germline): Pathogenic (1 of 4 stars; one submission).

Conditions:
Developmental and epileptic encephalopathy, 53. Also called: Epileptic encephalopathy, early infantile, 53. Identifiers: MedGen C4479313, MONDO:0033362, OMIM 617389.
Early-onset Parkinson disease 20. Also called: PARKINSON DISEASE 20, AUTOSOMAL RECESSIVE EARLY-ONSET. Identifiers: Orphanet 391411, MedGen C3809824, MONDO:0014233, OMIM 615530.

Allele frequency attached by ClinVar (database versions not stated): gnomAD 0.00001.

Submission:

Labcorp Genetics (formerly Invitae), Labcorp
Classification: Pathogenic for Developmental and epileptic encephalopathy, 53; Early-onset Parkinson disease 20. Last evaluated: 2020-07-21. Review status: criteria provided, single submitter. Criteria: Invitae Variant Classification Sherloc (09022015). Collection method: clinical testing. Allele origin: germline.
Comment: For these reasons, this variant has been classified as Pathogenic. Loss-of-function variants in SYNJ1 are known to be pathogenic (PMID: 25316601, 27435091). This variant has not been reported in the literature in individuals with SYNJ1-related conditions. The frequency data for this variant in the population databases is considered unreliable, as metrics indicate insufficient coverage at this position in the ExAC database. This sequence change creates a premature translational stop signal (p.Trp5Tyrfs*57) in the SYNJ1 gene. It is expected to result in an absent or disrupted protein product.

Literature cited by the submitters: PubMed 25316601; PubMed 27435091.